The following is an entry in ClinVar:

ClinVar aggregate classification (germline): Likely pathogenic (1 of 4 stars; one submission).

Conditions:
Dilated cardiomyopathy 1G (CMD1G). Identifiers: Orphanet 154, MedGen C1858763, MONDO:0011400, OMIM 604145.
Autosomal recessive limb-girdle muscular dystrophy type 2J (LGMDR10). Also called: Limb-girdle muscular dystrophy, type 2J; MUSCULAR DYSTROPHY, LIMB-GIRDLE, AUTOSOMAL RECESSIVE 10. Identifiers: Orphanet 140922, MedGen C1837342, MONDO:0012127, OMIM 608807.

Submission:

Labcorp Genetics (formerly Invitae), Labcorp
Classification: Likely pathogenic for Dilated cardiomyopathy 1G; Autosomal recessive limb-girdle muscular dystrophy type 2J. Last evaluated: 2024-10-28. Review status: criteria provided, single submitter. Criteria: Invitae Variant Classification Sherloc (09022015). Collection method: clinical testing. Allele origin: germline.
Comment: This sequence change creates a premature translational stop signal (p.Ser6264*) in the TTN gene. While this is not anticipated to result in nonsense mediated decay, it is expected to create a truncated TTN protein. This variant is not present in population databases (gnomAD no frequency). This variant has not been reported in the literature in individuals affected with TTN-related conditions. ClinVar contains an entry for this variant (Variation ID: 1484054). Algorithms developed to predict the effect of sequence changes on RNA splicing suggest that this variant may disrupt the consensus splice site. This variant is located in the I band of TTN (PMID: 25589632). Truncating variants in this region have been reported in individuals affected with autosomal recessive centronuclear myopathy (PMID: 23975875, internal data). Truncating variants in this region have also been identified in individuals affected with autosomal dominant dilated cardiomyopathy and/or cardio-related conditions (PMID: 27869827, 32964742, internal data). In summary, the currently available evidence indicates that the variant is pathogenic, but additional data are needed to prove that conclusively. Therefore, this variant has been classified as Likely Pathogenic.

Literature cited by the submitters: PubMed 25589632; PubMed 23975875; PubMed 27869827; PubMed 32964742.

NM_001267550.2(TTN):c.18791C>G (p.Ser6264Ter)

Genes: TTN (titin; minus strand), LOC126806430 (BRD4-independent group 4 enhancer GRCh37_chr2:179593794-179594993; plus strand). Cytogenetic location: 2q31.2.
Variant type: single nucleotide variant.
Coding change: c.18791C>G on transcript NM_001267550.2 (MANE Select); coding-DNA position 18791, C replaced by G.
Protein change: p.Ser6264Ter; replaces serine 6264 with a stop codon.
Molecular consequence: nonsense. On other transcripts: intron variant (3).
Genome position (GRCh38, 1-based): chr2:178,729,365, G>C on the plus strand (C>G on the coding strand, the complement: TTN is on the minus strand). VCF-style: chr2-178729365-G-C. GRCh37 (hg19) VCF-style: chr2-179594092-G-C.
Other names: c.17840C>G, p.Ser5947Ter (NM_001256850.1); c.15059C>G, p.Ser5020Ter (NM_133378.4); c.13282+8717C>G (NM_003319.4); c.13858+8717C>G (NM_133437.4); c.13657+8717C>G (NM_133432.3); short protein forms S5947*, S6264*, S5020*.
Identifiers: ClinVar variation 1484054 (VCV001484054.6), dbSNP rs2079975361, ClinGen allele CA349559737.